The following is an entry in ClinVar:

ClinVar aggregate classification (germline): Uncertain significance (1 of 4 stars; one submission).

Conditions:
Myofibrillar myopathy 5. Also called: FILAMINOPATHY, AUTOSOMAL DOMINANT; Filaminopathy (type). Identifiers: Orphanet 171445, MedGen C1836050, MONDO:0012289, OMIM 609524.
Dilated Cardiomyopathy, Dominant.
Distal myopathy with posterior leg and anterior hand involvement. Also called: WILLIAMS DISTAL MYOPATHY. Identifiers: Orphanet 63273, MedGen C3279722, MONDO:0013550, OMIM 614065.
Hypertrophic cardiomyopathy 26. Also called: Cardiomyopathy, familial hypertrophic, 26. Identifiers: Orphanet 75249, MedGen C4310749, MONDO:0014883, OMIM 617047.

Allele frequency attached by ClinVar (database versions not stated): gnomAD exomes 0.00003.
gnomAD v4.1: 47 of 1,565,852 alleles (0.003%); highest among the groups gnomAD compares: Non-Finnish European, 0.0038%; no homozygotes.

Submission:

Labcorp Genetics (formerly Invitae), Labcorp
Classification: Uncertain significance for Distal myopathy with posterior leg and anterior hand involvement; Myofibrillar myopathy 5; Hypertrophic cardiomyopathy 26. Last evaluated: 2022-09-15. Review status: criteria provided, single submitter. Criteria: Invitae Variant Classification Sherloc (09022015). Collection method: clinical testing. Allele origin: germline.
Comment: This sequence change falls in intron 15 of the FLNC gene. It does not directly change the encoded amino acid sequence of the FLNC protein. This variant is present in population databases (no rsID available, gnomAD 0.004%). This variant has not been reported in the literature in individuals affected with FLNC-related conditions. Algorithms developed to predict the effect of sequence changes on RNA splicing suggest that this variant may create or strengthen a splice site. In summary, the available evidence is currently insufficient to determine the role of this variant in disease. Therefore, it has been classified as a Variant of Uncertain Significance.

NM_001458.5(FLNC):c.2389+18G>A

Gene: FLNC (filamin C; plus strand). Cytogenetic location: 7q32.1.
Variant type: single nucleotide variant.
Coding change: c.2389+18G>A on transcript NM_001458.5 (MANE Select); 18 bases into the intron after coding-DNA position 2389, G replaced by A.
Molecular consequence: intron variant.
Genome position (GRCh38, 1-based): chr7:128,842,716, G>A. VCF-style: chr7-128842716-G-A. GRCh37 (hg19) VCF-style: chr7-128482770-G-A.
Other names: c.2389+18G>A (NM_001127487.2).
Identifiers: ClinVar variation 2162222 (VCV002162222.1), dbSNP rs1335685925, ClinGen allele CA578150422.